The following is an entry in ClinVar:

ClinVar aggregate classification (germline): Pathogenic (1 of 4 stars; one submission).

Conditions:
Tuberous sclerosis 2 (TSC2). Identifiers: Orphanet 805, MedGen C1860707, MONDO:0013199, OMIM 613254.

Submission:

MVZ Medizinische Genetik Mainz
Classification: Pathogenic for Tuberous sclerosis 2. Last evaluated: 2023-09-26. Review status: criteria provided, single submitter. Criteria: UK Practice Guidelines For Variant Classification V4 01 2020. Collection method: clinical testing. Allele origin: germline. Inheritance: Autosomal dominant inheritance. Observed: 1 variant allele.
Comment: ACMG Criteria: PVS1,PM2_SUP_MOD

NM_000548.5(TSC2):c.3677dup (p.Met1226fs)

Gene: TSC2 (TSC complex subunit 2; plus strand). Cytogenetic location: 16p13.3.
Variant type: Duplication.
Coding change: c.3677dup on transcript NM_000548.5 (MANE Select); coding-DNA position 3677, one base duplicated (T; older notation c.3677dupT).
Protein change: p.Met1226fs; shifts the reading frame from methionine 1226.
Molecular consequence: frameshift variant. On other transcripts: non-coding transcript variant (5).
Genome position (GRCh38, 1-based): chr16:2,081,661, T duplicated. VCF-style (leftmost placement, unchanged base first): chr16-2081660-A-AT. GRCh37 (hg19) VCF-style: chr16-2131661-A-AT.
Other names: c.3545dup, p.Met1182fs (NM_001077183.3, NM_001370404.1, NM_001406665.1); c.3677dup, p.Met1226fs (NM_001114382.3); c.3437dup, p.Met1146fs (NM_001318827.2); c.3401dup, p.Met1134fs (NM_001318829.2); c.2945dup, p.Met982fs (NM_001318831.2, NM_001406687.1, NM_001406688.1); c.3578dup, p.Met1193fs (NM_001318832.2); c.3548dup, p.Met1183fs (NM_001363528.2, NM_001370405.1, NM_021055.3); c.3674dup, p.Met1225fs (NM_001406663.1, NM_001406664.1); and 18 more; short protein forms M1025fs, M1026fs, M1029fs, M1133fs, M1134fs, M1145fs, M1146fs, M1163fs.
Identifiers: ClinVar variation 3236171 (VCV003236171.1), dbSNP rs2544155608, ClinGen allele CA2825002342.